The following is an entry in ClinVar:

NM_000038.6(APC):c.2306T>C (p.Leu769Ser)

Gene: APC (APC regulator of Wnt signaling pathway; plus strand). Cytogenetic location: 5q22.2.
Variant type: single nucleotide variant.
Coding change: c.2306T>C on transcript NM_000038.6 (MANE Select); coding-DNA position 2306, T replaced by C.
Protein change: p.Leu769Ser; replaces leucine 769 with serine.
Molecular consequence: missense variant.
Genome position (GRCh38, 1-based): chr5:112,837,900, T>C. VCF-style: chr5-112837900-T-C. GRCh37 (hg19) VCF-style: chr5-112173597-T-C.
Other names: c.2306T>C, p.Leu769Ser (NM_001127510.3, NM_001354895.2); c.2252T>C, p.Leu751Ser (NM_001127511.3); c.2360T>C, p.Leu787Ser (NM_001354896.2); c.2336T>C, p.Leu779Ser (NM_001354897.2); c.2231T>C, p.Leu744Ser (NM_001354898.2); c.2222T>C, p.Leu741Ser (NM_001354899.2); c.2183T>C, p.Leu728Ser (NM_001354900.2); c.2129T>C, p.Leu710Ser (NM_001354901.2); and 5 more; short protein forms L751S, L769S, L710S, L728S, L787S, L609S, L668S, L741S.
Identifiers: ClinVar variation 490241 (VCV000490241.7), dbSNP rs1554084067, ClinGen allele CA16026387.

ClinVar aggregate classification (germline): Uncertain significance. Review status: criteria provided, multiple submitters, no conflicts (2 of 4 stars). 2 submissions from 2 submitters: Uncertain significance (2). Last evaluated 2024-09-16.

Conditions:
Hereditary cancer-predisposing syndrome. Also called: Hereditary Cancer Syndrome; Neoplastic Syndromes, Hereditary; Tumor predisposition; Hereditary neoplastic syndrome. Identifiers: Orphanet 140162, MedGen C0027672, MeSH D009386, MONDO:0015356.

Allele frequency attached by ClinVar (database versions not stated): gnomAD exomes below 0.00001.
gnomAD v4.1: 1 of 1,614,128 alleles (0.000062%); highest among the groups gnomAD compares: Non-Finnish European, 0.000085%; no homozygotes.

Submissions (2):

Ambry Genetics
Classification: Uncertain significance for Hereditary cancer-predisposing syndrome. Last evaluated: 2024-09-16. Review status: criteria provided, single submitter. Criteria: Ambry Variant Classification Scheme 2023. Collection method: clinical testing. Allele origin: germline.
Comment: The p.L769S variant (also known as c.2306T>C), located in coding exon 15 of the APC gene, results from a T to C substitution at nucleotide position 2306. The leucine at codon 769 is replaced by serine, an amino acid with dissimilar properties. This amino acid position is conserved. In addition, in silico predictors for this gene do not accurately predict pathogenicity. Based on the available evidence, the clinical significance of this variant remains unclear.

Color Diagnostics, LLC DBA Color Health
Classification: Uncertain significance for Hereditary cancer-predisposing syndrome. Last evaluated: 2023-12-04. Review status: criteria provided, single submitter. Criteria: ACMG Guidelines, 2015. Collection method: clinical testing. Allele origin: germline.
Comment: This missense variant replaces leucine with serine at codon 769 of the APC protein. Computational prediction suggests that this variant may have deleterious impact on protein structure and function (internally defined REVEL score threshold >= 0.7, PMID: 27666373). To our knowledge, functional studies have not been reported for this variant. This variant has not been reported in individuals affected with APC-related disorders in the literature. This variant has not been identified in the general population by the Genome Aggregation Database (gnomAD). The available evidence is insufficient to determine the role of this variant in disease conclusively. Therefore, this variant is classified as a Variant of Uncertain Significance.